The following is an entry in ClinVar:

ClinVar aggregate classification (germline): Conflicting classifications of pathogenicity. Review status: criteria provided, conflicting classifications (1 of 4 stars). 9 submissions from 9 submitters: Uncertain significance (3); Benign (1); Likely benign (4). 1 of the submissions does not count toward it. Last evaluated 2026-01-28.

Conditions:
POLG-related disorder. Also called: POLG-Related Spectrum Disorders; POLG-related condition; POLG-Related Disorders. Identifiers: MedGen C4763519.
Progressive sclerosing poliodystrophy (MTDPS4A). Also called: Mitochondrial DNA depletion syndrome 4A (Alpers type); Mitochondrial DNA Depletion Syndrome 4A; ALPERS PROGRESSIVE INFANTILE POLIODYSTROPHY; Alpers-Huttenlocher Syndrome; Alpers Syndrome; ALPERS DIFFUSE DEGENERATION OF CEREBRAL GRAY MATTER WITH HEPATIC CIRRHOSIS. Identifiers: Orphanet 726, MedGen C0205710, MONDO:0008758, OMIM 203700.

Allele frequency attached by ClinVar (database versions not stated): gnomAD 0.00001 and 0.00007; TOPMed 0.00003; 1000 Genomes Project 0.00040; 1000 Genomes Project 30x 0.00047; ExAC 0.00056.
gnomAD v4.1: 294 of 1,610,164 alleles (0.018%); highest among the groups gnomAD compares: South Asian, 0.29%; 5 homozygotes.

Submissions (9):

Labcorp Genetics (formerly Invitae), Labcorp
Classification: Benign for Progressive sclerosing poliodystrophy. Last evaluated: 2026-01-28. Review status: criteria provided, single submitter. Criteria: Invitae Variant Classification Sherloc (09022015). Collection method: clinical testing. Allele origin: germline.

CeGaT Center for Human Genetics Tuebingen
Classification: Likely benign. Last evaluated: 2024-11-01. Review status: criteria provided, single submitter. Criteria: CeGaT Center For Human Genetics Tuebingen Variant Classification Criteria Version 2. Collection method: clinical testing. Allele origin: germline. Affected: yes. Observed: 2 variant alleles.
Comment: POLG: BS2

Blueprint Genetics
Classification: Likely benign. Last evaluated: 2024-10-23. Review status: criteria provided, single submitter. Criteria: ACMG Guidelines, 2015. Collection method: clinical testing. Allele origin: germline.

Revvity Omics, Revvity
Classification: Likely benign. Last evaluated: 2023-11-16. Review status: criteria provided, single submitter. Criteria: ACMG Guidelines, 2015. Collection method: clinical testing. Allele origin: germline.

Wong Mito Lab, Molecular and Human Genetics, Baylor College of Medicine
Classification: Uncertain significance for Progressive sclerosing poliodystrophy. Last evaluated: 2018-10-01. Review status: criteria provided, single submitter. Criteria: ACMG Guidelines, 2015. Collection method: clinical testing. Allele origin: germline.
Comment: The NM_002693.2:c.1898A>C (NP_002684.1:p.Lys633Thr) [GRCH38: NC_000015.10:g.89325501T>G] variant in POLG gene is interpretated to be a Uncertain Significance based on ACMG guidelines (PMID: 25741868). This variant meets the following evidence codes reported in the ACMG-guideline. BP4:Computational evidence/predictors indicate no impact on the POLG structure, function, or protein-protein interaction. Based on the evidence criteria codes applied, the variant is suggested to be Uncertain Significance.

Eurofins Ntd Llc (ga)
Classification: Uncertain significance. Last evaluated: 2018-04-03. Review status: criteria provided, single submitter. Criteria: EGL ClinVar v180209 classification definitions. Collection method: clinical testing. Allele origin: germline. Observed: 1 variant allele, 1 heterozygote.

Illumina Laboratory Services, Illumina
Classification: Uncertain significance for POLG-Related Spectrum Disorders. Last evaluated: 2018-01-13. Review status: criteria provided, single submitter. Criteria: ICSL Variant Classification Criteria 13 December 2019. Collection method: clinical testing. Allele origin: germline.

GeneDx
Classification: Likely benign. Last evaluated: 2017-10-09. Review status: criteria provided, single submitter. Criteria: GeneDx Variant Classification (06012015). Collection method: clinical testing. Allele origin: germline. Affected: yes.
Comment: This variant is considered likely benign or benign based on one or more of the following criteria: it is a conservative change, it occurs at a poorly conserved position in the protein, it is predicted to be benign by multiple in silico algorithms, and/or has population frequency not consistent with disease.

PreventionGenetics, part of Exact Sciences
Classification: Likely benign for POLG-related condition. Last evaluated: 2023-01-09. Review status: no assertion criteria provided. Collection method: clinical testing. Allele origin: germline. Not counted in ClinVar's aggregate classification.
Comment: This variant is classified as likely benign based on ACMG/AMP sequence variant interpretation guidelines (Richards et al. 2015 PMID: 25741868, with internal and published modifications).

NM_002693.3(POLG):c.1898A>C (p.Lys633Thr)

Gene: POLG (DNA polymerase gamma, catalytic subunit; minus strand). Cytogenetic location: 15q26.1.
Variant type: single nucleotide variant.
Coding change: c.1898A>C on transcript NM_002693.3 (MANE Select); coding-DNA position 1898, A replaced by C.
Protein change: p.Lys633Thr; replaces lysine 633 with threonine.
Molecular consequence: missense variant.
Genome position (GRCh38, 1-based): chr15:89,325,501, T>G on the plus strand (A>C on the coding strand, the complement: POLG is on the minus strand). VCF-style: chr15-89325501-T-G. GRCh37 (hg19) VCF-style: chr15-89868732-T-G.
Other names: p.K633T:AAG>ACG; c.1898A>C, p.Lys633Thr (NM_001126131.2); short protein forms K633T.
Identifiers: ClinVar variation 206605 (VCV000206605.44), dbSNP rs568913937, ClinGen allele CA316852.